The following is an entry in ClinVar:

ClinVar aggregate classification (germline): Uncertain significance. Review status: criteria provided, multiple submitters, no conflicts (2 of 4 stars). 3 submissions from 3 submitters: Uncertain significance (3). Last evaluated 2025-08-10.

Conditions:
Hereditary cancer-predisposing syndrome. Also called: Neoplastic Syndromes, Hereditary; Tumor predisposition; Hereditary Cancer Syndrome; Hereditary neoplastic syndrome. Identifiers: Orphanet 140162, MedGen C0027672, MeSH D009386, MONDO:0015356.
Renal cell carcinoma. Identifiers: Orphanet 217071, MedGen C0007134, MeSH D002292, MONDO:0005086, HP:0005584.

Allele frequency attached by ClinVar (database versions not stated): gnomAD exomes below 0.00001; TOPMed below 0.00001.
gnomAD v4.1: 4 of 1,614,128 alleles (0.00025%); highest among the groups gnomAD compares: East Asian, 0.0022%; no homozygotes.

Submissions (3):

Ambry Genetics
Classification: Uncertain significance for Hereditary cancer-predisposing syndrome. Last evaluated: 2025-08-10. Review status: criteria provided, single submitter. Criteria: Ambry Variant Classification Scheme 2023. Collection method: clinical testing. Allele origin: germline.
Comment: The p.R1354W variant (also known as c.4060C>T), located in coding exon 20 of the MET gene, results from a C to T substitution at nucleotide position 4060. The arginine at codon 1354 is replaced by tryptophan, an amino acid with dissimilar properties. This amino acid position is poorly conserved in available vertebrate species. In addition, this alteration is predicted to be tolerated by in silico analysis. Since supporting evidence is limited at this time, the clinical significance of this alteration remains unclear.

Labcorp Genetics (formerly Invitae), Labcorp
Classification: Uncertain significance for Renal cell carcinoma. Last evaluated: 2025-01-23. Review status: criteria provided, single submitter. Criteria: Invitae Variant Classification Sherloc (09022015). Collection method: clinical testing. Allele origin: germline.
Comment: This sequence change replaces arginine, which is basic and polar, with tryptophan, which is neutral and slightly polar, at codon 1354 of the MET protein (p.Arg1354Trp). The frequency data for this variant in the population databases is considered unreliable, as metrics indicate poor data quality at this position in the gnomAD database. This variant has not been reported in the literature in individuals affected with MET-related conditions. ClinVar contains an entry for this variant (Variation ID: 824551). Invitae Evidence Modeling of protein sequence and biophysical properties (such as structural, functional, and spatial information, amino acid conservation, physicochemical variation, residue mobility, and thermodynamic stability) indicates that this missense variant is not expected to disrupt MET protein function with a negative predictive value of 80%. In summary, the available evidence is currently insufficient to determine the role of this variant in disease. Therefore, it has been classified as a Variant of Uncertain Significance.

Blueprint Genetics
Classification: Uncertain significance. Last evaluated: 2024-04-25. Review status: criteria provided, single submitter. Criteria: ACMG Guidelines, 2015. Collection method: clinical testing. Allele origin: germline.

NM_000245.4(MET):c.4006C>T (p.Arg1336Trp)

Gene: MET (MET proto-oncogene, receptor tyrosine kinase; plus strand). Cytogenetic location: 7q31.2.
Variant type: single nucleotide variant.
Coding change: c.4006C>T on transcript NM_000245.4 (MANE Select); coding-DNA position 4006, C replaced by T.
Protein change: p.Arg1336Trp; replaces arginine 1336 with tryptophan.
Molecular consequence: missense variant.
Genome position (GRCh38, 1-based): chr7:116,795,957, C>T. VCF-style: chr7-116795957-C-T. GRCh37 (hg19) VCF-style: chr7-116436011-C-T.
Other names: c.4060C>T, p.Arg1354Trp (NM_001127500.3); c.2716C>T, p.Arg906Trp (NM_001324402.2); short protein forms R1336W, R1354W, R906W.
Identifiers: ClinVar variation 824551 (VCV000824551.18), dbSNP rs1258671501, ClinGen allele CA369118198.